The following is an entry in ClinVar:

NM_001130438.3(SPTAN1):c.7169A>T (p.His2390Leu)

Gene: SPTAN1 (spectrin alpha, non-erythrocytic 1; plus strand). Cytogenetic location: 9q34.11.
Variant type: single nucleotide variant.
Coding change: c.7169A>T on transcript NM_001130438.3 (MANE Select); coding-DNA position 7169, A replaced by T.
Protein change: p.His2390Leu; replaces histidine 2390 with leucine.
Molecular consequence: missense variant.
Genome position (GRCh38, 1-based): chr9:128,632,816, A>T. VCF-style: chr9-128632816-A-T. GRCh37 (hg19) VCF-style: chr9-131395095-A-T.
Other names: c.7094A>T, p.His2365Leu (NM_001195532.2); c.7232A>T, p.His2411Leu (NM_001363759.2); c.7109A>T, p.His2370Leu (NM_001363765.2, NM_001375314.2); c.7256A>T, p.His2419Leu (NM_001375310.1); c.7169A>T, p.His2390Leu (NM_001375311.2); c.7205A>T, p.His2402Leu (NM_001375312.2, NM_001438440.1); c.7151A>T, p.His2384Leu (NM_001375313.1); c.7268A>T, p.His2423Leu (NM_001375318.1); and 6 more; short protein forms H2370L, H2385L, H2386L, H2365L, H2384L, H2406L, H2411L, H2359L.
Identifiers: ClinVar variation 4996953 (VCV004996953.1).
Genomic context (GRCh38, chr9:128,632,816, plus strand): 5'-CGGGGCACCCACCTGCCCTCCCTGCTCAGGCTCTTGCTTCCCCCGCTCCTAGAGATGGCC[A>T]TGTCTCCTTGCAAGAATACATGGCTTTCATGATCAGCCGCGAAACTGAGAACGTCAAGTC-3'
Protein context (NP_001123910.1, residues 2380-2400): LDTVDPNRDG[His2390Leu]VSLQEYMAFM

ClinVar aggregate classification (germline): Uncertain significance (1 of 4 stars; one submission).

Conditions:
SPTAN1-related disorder. Also called: SPTAN1-related disorders; SPTAN1-related condition.

Submission:

PreventionGenetics, part of Exact Sciences
Classification: Uncertain significance for SPTAN1-related condition. Last evaluated: 2024-12-19. Review status: criteria provided, single submitter. Criteria: ACMG Guidelines, 2015. Collection method: clinical testing. Allele origin: germline.
Comment: The SPTAN1 c.7169A>T variant is predicted to result in the amino acid substitution p.His2390Leu. To our knowledge, this variant has not been reported in the literature or in a large population database (gnomAD), indicating this variant is rare. At this time, the clinical significance of this variant is uncertain due to the absence of conclusive functional and genetic evidence.